The following is an entry in ClinVar:

ClinVar aggregate classification (germline): Conflicting classifications of pathogenicity. Review status: criteria provided, conflicting classifications (1 of 4 stars). 2 submissions from 2 submitters: Pathogenic (1); Uncertain significance (1). Last evaluated 2025-08-24.

Conditions:
Neurofibromatosis, type 1 (NF1). Also called: Peripheral type neurofibromatosis; VON RECKLINGHAUSEN DISEASE; Neurofibromatosis, type I; NEUROFIBROMATOSIS, TYPE I, SOMATIC. Identifiers: Orphanet 636, MedGen C0027831, MONDO:0018975, OMIM 162200. Disease mechanism: loss of function.

Submissions (2):

GeneDx
Classification: Pathogenic. Last evaluated: 2025-08-24. Review status: criteria provided, single submitter. Criteria: GeneDx Variant Classification Process June 2021. Collection method: clinical testing. Allele origin: germline. Affected: yes.
Comment: Identified in patients with NF1-related features referred for genetic testing at GeneDx and in published literature (PMID: 16835897); Not observed at significant frequency in large population cohorts (gnomAD); In silico analysis supports that this missense variant has a deleterious effect on protein structure/function; This variant is associated with the following publications: (PMID: 24803665, 22155606, 16835897, 25486365, 2121369, 22807134)

Labcorp Genetics (formerly Invitae), Labcorp
Classification: Uncertain significance for Neurofibromatosis, type 1. Last evaluated: 2025-07-27. Review status: criteria provided, single submitter. Criteria: Invitae Variant Classification Sherloc (09022015). Collection method: clinical testing. Allele origin: germline.
Comment: This sequence change replaces serine, which is neutral and polar, with leucine, which is neutral and non-polar, at codon 1150 of the NF1 protein (p.Ser1150Leu). This variant is not present in population databases (gnomAD no frequency). This missense change has been observed in individual(s) with neurofibromatosis (PMID: 16835897). ClinVar contains an entry for this variant (Variation ID: 842050). Invitae Evidence Modeling of protein sequence and biophysical properties (such as structural, functional, and spatial information, amino acid conservation, physicochemical variation, residue mobility, and thermodynamic stability) indicates that this missense variant is expected to disrupt NF1 protein function with a positive predictive value of 95%. In summary, the available evidence is currently insufficient to determine the role of this variant in disease. Therefore, it has been classified as a Variant of Uncertain Significance.

Literature cited by the submitters: PubMed 16835897 (cited by Labcorp Genetics (formerly Invitae), Labcorp).

NM_001042492.3(NF1):c.3449C>T (p.Ser1150Leu)

Gene: NF1 (neurofibromin 1; plus strand). Cytogenetic location: 17q11.2.
Variant type: single nucleotide variant.
Coding change: c.3449C>T on transcript NM_001042492.3 (MANE Select); coding-DNA position 3449, C replaced by T.
Protein change: p.Ser1150Leu; replaces serine 1150 with leucine.
Molecular consequence: missense variant.
Genome position (GRCh38, 1-based): chr17:31,232,834, C>T. VCF-style: chr17-31232834-C-T. GRCh37 (hg19) VCF-style: chr17-29559852-C-T.
Other names: c.3449C>T, p.Ser1150Leu (NM_000267.4); short protein forms S1150L.
Identifiers: ClinVar variation 842050 (VCV000842050.10), dbSNP rs1555614972, ClinGen allele CA398989317.
Genomic context (GRCh38, chr17:31,232,834, plus strand): 5'-GGAAACGTGGCATGTCTCGGAGGCTGGCATCACTGAGGCACTGTACGGTCCTTGCAATGT[C>T]AAACTTACTCAATGCCAACGTAGACAGTGGTCTCATGCACTCCATAGGTGAGATCAAATG-3'
Protein context (NP_001035957.1, residues 1140-1160): SLRHCTVLAM[Ser1150Leu]NLLNANVDSG